The following is an entry in ClinVar:

NM_000203.5(IDUA):c.1195G>A (p.Glu399Lys)

Gene: IDUA (alpha-L-iduronidase; plus strand). Cytogenetic location: 4p16.3.
Variant type: single nucleotide variant.
Coding change: c.1195G>A on transcript NM_000203.5 (MANE Select); coding-DNA position 1195, G replaced by A.
Protein change: p.Glu399Lys; replaces glutamic acid 399 with lysine.
Molecular consequence: missense variant. On other transcripts: non-coding transcript variant (1).
Genome position (GRCh38, 1-based): chr4:1,002,737, G>A. VCF-style: chr4-1002737-G-A. GRCh37 (hg19) VCF-style: chr4-996525-G-A.
Other names: c.799G>A, p.Glu267Lys (NM_001363576.1); short protein forms E399K, E267K.
Identifiers: ClinVar variation 1352675 (VCV001352675.3), dbSNP rs1034769935, ClinGen allele CA91169845.

ClinVar aggregate classification (germline): Uncertain significance (1 of 4 stars; one submission).

Conditions:
Mucopolysaccharidosis type 1. Also called: IDUA deficiency; MPS I. Identifiers: Orphanet 579, MedGen C0023786, MONDO:0001586.

Allele frequency attached by ClinVar (database versions not stated): TOPMed 0.00002; gnomAD 0.00002; gnomAD exomes 0.00002.

Submission:

Labcorp Genetics (formerly Invitae), Labcorp
Classification: Uncertain significance for Mucopolysaccharidosis type 1. Last evaluated: 2021-10-27. Review status: criteria provided, single submitter. Criteria: Invitae Variant Classification Sherloc (09022015). Collection method: clinical testing. Allele origin: germline.
Comment: This sequence change replaces glutamic acid, which is acidic and polar, with lysine, which is basic and polar, at codon 399 of the IDUA protein (p.Glu399Lys). This variant is present in population databases (no rsID available, gnomAD 0.01%). This variant has not been reported in the literature in individuals affected with IDUA-related conditions. Advanced modeling of protein sequence and biophysical properties (such as structural, functional, and spatial information, amino acid conservation, physicochemical variation, residue mobility, and thermodynamic stability) performed at Invitae indicates that this missense variant is not expected to disrupt IDUA protein function. In summary, the available evidence is currently insufficient to determine the role of this variant in disease. Therefore, it has been classified as a Variant of Uncertain Significance.